The following is an entry in ClinVar:

ClinVar aggregate classification (germline): Uncertain significance (1 of 4 stars; one submission).

Conditions:
Charcot-Marie-Tooth disease axonal type 2F (CMT2F). Also called: Charcot-Marie-Tooth Neuropathy Type 2F; CHARCOT-MARIE-TOOTH DISEASE, NEURONAL, TYPE 2F. Identifiers: Orphanet 99940, MedGen C1847823, MONDO:0011687, OMIM 606595.

Submission:

Labcorp Genetics (formerly Invitae), Labcorp
Classification: Uncertain significance for Charcot-Marie-Tooth disease axonal type 2F. Last evaluated: 2026-01-11. Review status: criteria provided, single submitter. Criteria: Invitae Variant Classification Sherloc (09022015). Collection method: clinical testing. Allele origin: germline.
Comment: This sequence change replaces threonine, which is neutral and polar, with alanine, which is neutral and non-polar, at codon 113 of the HSPB1 protein (p.Thr113Ala). This variant is not present in population databases (gnomAD no frequency). This variant has not been reported in the literature in individuals affected with HSPB1-related conditions. Invitae Evidence Modeling of protein sequence and biophysical properties (such as structural, functional, and spatial information, amino acid conservation, physicochemical variation, residue mobility, and thermodynamic stability) has been performed for this missense variant. However, the output from this modeling did not meet the statistical confidence thresholds required to predict the impact of this variant on HSPB1 protein function. In summary, the available evidence is currently insufficient to determine the role of this variant in disease. Therefore, it has been classified as a Variant of Uncertain Significance.

NM_001540.5(HSPB1):c.337A>G (p.Thr113Ala)

Gene: HSPB1 (heat shock protein family B (small) member 1; plus strand). Cytogenetic location: 7q11.23.
Variant type: single nucleotide variant.
Coding change: c.337A>G on transcript NM_001540.5 (MANE Select); coding-DNA position 337, A replaced by G.
Protein change: p.Thr113Ala; replaces threonine 113 with alanine.
Molecular consequence: missense variant.
Genome position (GRCh38, 1-based): chr7:76,303,049, A>G. VCF-style: chr7-76303049-A-G. GRCh37 (hg19) VCF-style: chr7-75932366-A-G.
Other names: short protein forms T113A.
Identifiers: ClinVar variation 4708144 (VCV004708144.1).